The following is an entry in ClinVar:

NM_001351132.2(PEX5):c.1675C>T (p.Arg559Cys)

Gene: PEX5 (peroxisomal biogenesis factor 5; plus strand). Cytogenetic location: 12p13.31.
Variant type: single nucleotide variant.
Coding change: c.1675C>T on transcript NM_001351132.2 (MANE Select); coding-DNA position 1675, C replaced by T.
Protein change: p.Arg559Cys; replaces arginine 559 with cysteine.
Molecular consequence: missense variant.
Genome position (GRCh38, 1-based): chr12:7,209,797, C>T. VCF-style: chr12-7209797-C-T. GRCh37 (hg19) VCF-style: chr12-7362393-C-T.
Other names: c.1651C>T, p.Arg551Cys (NM_000319.5); c.1720C>T, p.Arg574Cys (NM_001131023.2); c.1564C>T, p.Arg522Cys (NM_001131024.2, NM_001351124.3, NM_001351126.2 and 7 more transcripts); c.1675C>T, p.Arg559Cys (NM_001131025.2, NM_001131026.2, NM_001300789.3 and 4 more transcripts); c.1609C>T, p.Arg537Cys (NM_001351135.3, NM_001351138.2); c.1666C>T, p.Arg556Cys (NM_001351136.2); c.1540C>T, p.Arg514Cys (NM_001351139.2, NM_001351140.2, NM_001374649.2); c.1675C>T (NM_001131025.1); short protein forms R537C, R559C, R556C, R514C, R522C, R574C, R551C.
Identifiers: ClinVar variation 2180802 (VCV002180802.2), dbSNP rs748412202, ClinGen allele CA6426541.

ClinVar aggregate classification (germline): Uncertain significance. Review status: criteria provided, multiple submitters, no conflicts (2 of 4 stars). 2 submissions from 2 submitters: Uncertain significance (2). Last evaluated 2022-12-15.

Conditions:
Peroxisome biogenesis disorder 2B (PBD2B). Identifiers: Orphanet 44, MedGen C3550234, MONDO:0008736, OMIM 202370.
Inborn genetic diseases. Identifiers: MedGen C0950123, MeSH D030342.

Allele frequency attached by ClinVar (database versions not stated): gnomAD exomes 0.00001; ExAC 0.00002; gnomAD 0.00002.

Submissions (2):

Ambry Genetics
Classification: Uncertain significance for Inborn genetic diseases. Last evaluated: 2022-12-15. Review status: criteria provided, single submitter. Criteria: Ambry Variant Classification Scheme 2023. Collection method: clinical testing. Allele origin: germline.

Labcorp Genetics (formerly Invitae), Labcorp
Classification: Uncertain significance for Peroxisome biogenesis disorder 2B. Last evaluated: 2022-07-09. Review status: criteria provided, single submitter. Criteria: Invitae Variant Classification Sherloc (09022015). Collection method: clinical testing. Allele origin: germline.
Comment: This sequence change replaces arginine, which is basic and polar, with cysteine, which is neutral and slightly polar, at codon 559 of the PEX5 protein (p.Arg559Cys). This variant is present in population databases (rs748412202, gnomAD 0.004%). This variant has not been reported in the literature in individuals affected with PEX5-related conditions. Algorithms developed to predict the effect of missense changes on protein structure and function (SIFT, PolyPhen-2, Align-GVGD) all suggest that this variant is likely to be disruptive. In summary, the available evidence is currently insufficient to determine the role of this variant in disease. Therefore, it has been classified as a Variant of Uncertain Significance.